The following is an entry in ClinVar:

NM_001242896.3(DEPDC5):c.1538C>T (p.Thr513Ile)

Gene: DEPDC5 (DEP domain containing 5, GATOR1 subcomplex subunit; plus strand). Cytogenetic location: 22q12.3.
Variant type: single nucleotide variant.
Coding change: c.1538C>T on transcript NM_001242896.3 (MANE Select); coding-DNA position 1538, C replaced by T.
Protein change: p.Thr513Ile; replaces threonine 513 with isoleucine.
Molecular consequence: missense variant. On other transcripts: non-coding transcript variant (5).
Genome position (GRCh38, 1-based): chr22:31,815,084, C>T. VCF-style: chr22-31815084-C-T. GRCh37 (hg19) VCF-style: chr22-32211070-C-T.
Other names: c.1538C>T, p.Thr513Ile (NM_001007188.4, NM_001136029.4, NM_001242897.2 and 7 more transcripts); c.1454C>T, p.Thr485Ile (NM_001369901.1, NM_001369902.1); short protein forms T485I, T513I.
Identifiers: ClinVar variation 2181431 (VCV002181431.4), dbSNP rs1424564303, ClinGen allele CA411278253.

ClinVar aggregate classification (germline): Uncertain significance (1 of 4 stars; one submission).

Conditions:
Familial focal epilepsy with variable foci (FPEVF). Identifiers: Orphanet 98820, MedGen C1858477, MONDO:0020310.

Allele frequency attached by ClinVar (database versions not stated): gnomAD exomes below 0.00001; TOPMed below 0.00001.
gnomAD v4.1: 1 of 1,614,216 alleles (0.000062%); highest among the groups gnomAD compares: African/African-American, 0.0013%; no homozygotes.

Submission:

Labcorp Genetics (formerly Invitae), Labcorp
Classification: Uncertain significance for Familial focal epilepsy with variable foci. Last evaluated: 2022-08-24. Review status: criteria provided, single submitter. Criteria: Invitae Variant Classification Sherloc (09022015). Collection method: clinical testing. Allele origin: germline.
Comment: This variant has not been reported in the literature in individuals affected with DEPDC5-related conditions. This variant is present in population databases (no rsID available, gnomAD 0.007%). This sequence change replaces threonine, which is neutral and polar, with isoleucine, which is neutral and non-polar, at codon 513 of the DEPDC5 protein (p.Thr513Ile). Algorithms developed to predict the effect of missense changes on protein structure and function are either unavailable or do not agree on the potential impact of this missense change (SIFT: "Tolerated"; PolyPhen-2: "Not Available"; Align-GVGD: "Class C0"). In summary, the available evidence is currently insufficient to determine the role of this variant in disease. Therefore, it has been classified as a Variant of Uncertain Significance.